The following is an entry in ClinVar:

ClinVar aggregate classification (germline): Benign/Likely benign. Review status: criteria provided, multiple submitters, no conflicts (2 of 4 stars). 4 submissions from 4 submitters: Benign (1); Likely benign (3). Last evaluated 2025-09-10.

Conditions:
Hereditary cancer-predisposing syndrome. Also called: Neoplastic Syndromes, Hereditary; Tumor predisposition; Hereditary Cancer Syndrome; Hereditary neoplastic syndrome. Identifiers: Orphanet 140162, MedGen C0027672, MeSH D009386, MONDO:0015356.
Familial cancer of breast. Also called: hereditary breast carcinoma; BREAST CANCER, FAMILIAL; Hereditary breast cancer. Identifiers: Orphanet 227535, MedGen C0346153, MONDO:0016419, OMIM 114480. Disease mechanism: loss of function.
Ataxia-telangiectasia syndrome (AT). Also called: ATAXIA-TELANGIECTASIA, COMPLEMENTATION GROUP A; ATAXIA-TELANGIECTASIA, FRESNO VARIANT; Ataxia-telangiectasia; Ataxia-telangiectasia, complementation group D; AT, COMPLEMENTATION GROUP C; Ataxia-telangiectasia, complementation group E. Identifiers: Orphanet 100, MedGen C0004135, MONDO:0008840, OMIM 208900.

Allele frequency attached by ClinVar (database versions not stated): gnomAD exomes below 0.00001 and 0.00001.
gnomAD v4.1: 3 of 1,559,622 alleles (0.00019%); highest among the groups gnomAD compares: East Asian, 0.0068%; no homozygotes.

Submissions (4):

Labcorp Genetics (formerly Invitae), Labcorp
Classification: Likely benign for Ataxia-telangiectasia syndrome. Last evaluated: 2025-09-10. Review status: criteria provided, single submitter. Criteria: Invitae Variant Classification Sherloc (09022015). Collection method: clinical testing. Allele origin: germline.

Myriad Genetics, Inc.
Classification: Benign for Familial cancer of breast. Last evaluated: 2024-04-26. Review status: criteria provided, single submitter. Criteria: Myriad Autosomal Dominant, Autosomal Recessive and X-Linked Classification Criteria (2023). Collection method: clinical testing. Allele origin: unknown.
Comment: This variant is considered benign. This variant is a silent/synonymous amino acid change and it is not expected to impact splicing.

Ambry Genetics
Classification: Likely benign for Hereditary cancer-predisposing syndrome. Last evaluated: 2019-06-20. Review status: criteria provided, single submitter. Criteria: Ambry Variant Classification Scheme 2023. Collection method: clinical testing. Allele origin: germline.

Color Diagnostics, LLC DBA Color Health
Classification: Likely benign for Hereditary cancer-predisposing syndrome. Last evaluated: 2019-02-26. Review status: criteria provided, single submitter. Criteria: ACMG Guidelines, 2015. Collection method: clinical testing. Allele origin: germline.

NM_000051.4(ATM):c.1242G>A (p.Gln414=)

Gene: ATM (ATM serine/threonine kinase; plus strand). Cytogenetic location: 11q22.3.
Variant type: single nucleotide variant.
Coding change: c.1242G>A on transcript NM_000051.4 (MANE Select); coding-DNA position 1242, G replaced by A.
Protein change: p.Gln414=; no amino-acid change (glutamine 414 retained).
Molecular consequence: synonymous variant.
Genome position (GRCh38, 1-based): chr11:108,250,707, G>A. VCF-style: chr11-108250707-G-A. GRCh37 (hg19) VCF-style: chr11-108121434-G-A.
Other names: c.1242G>A, p.Gln414= (NM_001351834.2).
Identifiers: ClinVar variation 524453 (VCV000524453.18), dbSNP rs786203667, ClinGen allele CA476671868.